The following is an entry in ClinVar:

ClinVar aggregate classification (germline): Pathogenic (1 of 4 stars; one submission).

Conditions:
Autosomal recessive nonsyndromic hearing loss 3. Also called: NEUROSENSORY NONSYNDROMIC RECESSIVE DEAFNESS 3. Identifiers: Orphanet 90636, MedGen C1838263, MONDO:0010860, OMIM 600316.

Submission:

Institute of Rare Diseases, West China Hospital, Sichuan University
Classification: Pathogenic for Autosomal recessive nonsyndromic hearing loss 3. Last evaluated: 2025-01-09. Review status: criteria provided, single submitter. Criteria: ClinGen HL ACMG Specifications v1. Collection method: research. Allele origin: germline. Affected: yes.
Comment: PVS1;PM3;PM2_Supporting

NM_016239.4(MYO15A):c.4226del (p.Tyr1409fs)

Gene: MYO15A (myosin XVA; plus strand). Cytogenetic location: 17p11.2.
Variant type: Deletion.
Coding change: c.4226del on transcript NM_016239.4 (MANE Select); coding-DNA position 4226, one base deleted (A; older notation c.4226delA).
Protein change: p.Tyr1409fs; shifts the reading frame from tyrosine 1409.
Molecular consequence: frameshift variant.
Genome position (GRCh38, 1-based): chr17:18,132,472, A deleted. VCF-style (leftmost placement, unchanged base first): chr17-18132471-TA-T. GRCh37 (hg19) VCF-style: chr17-18035785-TA-T.
Other names: short protein forms Y1409fs.
Identifiers: ClinVar variation 3601334 (VCV003601334.1).